The following is an entry in ClinVar:

ClinVar aggregate classification (germline): Benign/Likely benign. Review status: criteria provided, multiple submitters, no conflicts (2 of 4 stars). 8 submissions from 8 submitters: Benign (3); Likely benign (4). 1 of the submissions does not count toward it. Last evaluated 2026-06-01.

Conditions:
Cardiovascular phenotype. Identifiers: MedGen CN230736.
SOS2-related disorder. Also called: SOS2-related condition.
Noonan syndrome 9 (NS9). Identifiers: Orphanet 648, MedGen C4225282, MONDO:0014691, OMIM 616559.

Allele frequency attached by ClinVar (database versions not stated): gnomAD 0.00005 and 0.00006; ESP Exome Variant Server 0.00008; TOPMed 0.00011; ExAC 0.00018.
gnomAD v4.1: 101 of 1,596,418 alleles (0.0063%); highest among the groups gnomAD compares: Admixed American, 0.12%; no homozygotes.

Submissions (8):

CeGaT Center for Human Genetics Tuebingen
Classification: Likely benign. Last evaluated: 2026-06-01. Review status: criteria provided, single submitter. Criteria: CeGaT Center For Human Genetics Tuebingen Variant Classification Criteria Version 2. Collection method: clinical testing. Allele origin: germline. Affected: yes. Observed: 1 variant allele.
Comment: SOS2: BP4

Labcorp Genetics (formerly Invitae), Labcorp
Classification: Benign for Noonan syndrome 9. Last evaluated: 2026-01-19. Review status: criteria provided, single submitter. Criteria: Invitae Variant Classification Sherloc (09022015). Collection method: clinical testing. Allele origin: germline.

Women's Health and Genetics/Laboratory Corporation of America, LabCorp
Classification: Benign. Last evaluated: 2022-05-28. Review status: criteria provided, single submitter. Criteria: LabCorp Variant Classification Summary - May 2015. Collection method: clinical testing. Allele origin: germline.

Ambry Genetics
Classification: Likely benign for Cardiovascular phenotype. Last evaluated: 2022-04-19. Review status: criteria provided, single submitter. Criteria: Ambry Variant Classification Scheme 2023. Collection method: clinical testing. Allele origin: germline.

Blueprint Genetics
Classification: Likely benign. Last evaluated: 2021-02-22. Review status: criteria provided, single submitter. Criteria: ACMG Guidelines, 2015. Collection method: clinical testing. Allele origin: germline.

GeneDx
Classification: Benign. Last evaluated: 2017-07-28. Review status: criteria provided, single submitter. Criteria: GeneDx Variant Classification (06012015). Collection method: clinical testing. Allele origin: germline. Affected: yes.
Comment: This variant is considered likely benign or benign based on one or more of the following criteria: it is a conservative change, it occurs at a poorly conserved position in the protein, it is predicted to be benign by multiple in silico algorithms, and/or has population frequency not consistent with disease.

Genome-Nilou Lab
Classification: Likely benign for Noonan syndrome 9. Review status: criteria provided, single submitter. Criteria: ACMG Guidelines, 2015. Collection method: clinical testing. Allele origin: germline.

PreventionGenetics, part of Exact Sciences
Classification: Benign for SOS2-related condition. Last evaluated: 2019-08-07. Review status: no assertion criteria provided. Collection method: clinical testing. Allele origin: germline. Not counted in ClinVar's aggregate classification.
Comment: This variant is classified as benign based on ACMG/AMP sequence variant interpretation guidelines (Richards et al. 2015 PMID: 25741868, with internal and published modifications).

NM_006939.4(SOS2):c.720C>T (p.Ile240=)

Gene: SOS2 (SOS Ras/Rho guanine nucleotide exchange factor 2; minus strand). Cytogenetic location: 14q21.3.
Variant type: single nucleotide variant.
Coding change: c.720C>T on transcript NM_006939.4 (MANE Select); coding-DNA position 720, C replaced by T.
Protein change: p.Ile240=; no amino-acid change (isoleucine 240 retained).
Molecular consequence: synonymous variant.
Genome position (GRCh38, 1-based): chr14:50,182,601, G>A on the plus strand (C>T on the coding strand, the complement: SOS2 is on the minus strand). VCF-style: chr14-50182601-G-A. GRCh37 (hg19) VCF-style: chr14-50649319-G-A.
Identifiers: ClinVar variation 509579 (VCV000509579.22), dbSNP rs373852615, ClinGen allele CA7177456.